The following is an entry in ClinVar:

NM_182493.3(MYLK3):c.2332T>G (p.Ser778Ala)

Gene: MYLK3 (myosin light chain kinase 3; minus strand). Cytogenetic location: 16q11.2.
Variant type: single nucleotide variant.
Coding change: c.2332T>G on transcript NM_182493.3 (MANE Select); coding-DNA position 2332, T replaced by G.
Protein change: p.Ser778Ala; replaces serine 778 with alanine.
Molecular consequence: missense variant.
Genome position (GRCh38, 1-based): chr16:46,709,607, A>C on the plus strand (T>G on the coding strand, the complement: MYLK3 is on the minus strand). VCF-style: chr16-46709607-A-C. GRCh37 (hg19) VCF-style: chr16-46743519-A-C.
Other names: c.1309T>G, p.Ser437Ala (NM_001308301.1); short protein forms S437A, S778A.
Identifiers: ClinVar variation 3633087 (VCV003633087.2).
Genomic context (GRCh38, chr16:46,709,607, plus strand): 5'-TTCTTTGAGCTATGTATTTCTGCAGCAGTAGTTGGGATTTGAGACGAGTTTTGGATCTTG[A>C]AGCTTTGGCAGGCAAATTATTCAGCCACTCGTGTTTCAGGCACTGTGTGGCACTCATTCT-3'
Protein context (NP_872299.2, residues 768-788): EWLNNLPAKA[Ser778Ala]RSKTRLKSQL

ClinVar aggregate classification (germline): Uncertain significance (1 of 4 stars; one submission).

Submission:

Labcorp Genetics (formerly Invitae), Labcorp
Classification: Uncertain significance. Last evaluated: 2024-04-25. Review status: criteria provided, single submitter. Criteria: Invitae Variant Classification Sherloc (09022015). Collection method: clinical testing. Allele origin: germline.
Comment: This sequence change replaces serine, which is neutral and polar, with alanine, which is neutral and non-polar, at codon 778 of the MYLK3 protein (p.Ser778Ala). This variant is not present in population databases (gnomAD no frequency). This variant has not been reported in the literature in individuals affected with MYLK3-related conditions. An algorithm developed to predict the effect of missense changes on protein structure and function (PolyPhen-2) suggests that this variant is likely to be tolerated. In summary, the available evidence is currently insufficient to determine the role of this variant in disease. Therefore, it has been classified as a Variant of Uncertain Significance.